The following is an entry in ClinVar:

NM_000051.4(ATM):c.3840_3841del (p.Leu1282fs)

Gene: ATM (ATM serine/threonine kinase; plus strand). Cytogenetic location: 11q22.3.
Variant type: Deletion.
Coding change: c.3840_3841del on transcript NM_000051.4 (MANE Select); coding-DNA positions 3840 to 3841, 2 bases deleted (AA; older notation c.3840_3841delAA).
Protein change: p.Leu1282fs; shifts the reading frame from leucine 1282.
Molecular consequence: frameshift variant.
Genome position (GRCh38, 1-based): chr11:108,284,320-108,284,321, AA deleted; deleting any 2 consecutive bases within chr11:108,284,318-108,284,321 gives the same sequence; the c. name uses the placement nearest the transcript's 3' end. VCF-style (leftmost placement, unchanged base first): chr11-108284317-GAA-G. GRCh37 (hg19) VCF-style: chr11-108155044-GAA-G.
Other names: c.3840_3841del, p.Leu1282fs (NM_001351834.2); short protein forms L1282fs.
Identifiers: ClinVar variation 3904733 (VCV003904733.1).
Genomic context (GRCh38, chr11:108,284,317, plus strand): 5'-GGTGATTAGAAGTCATTTTGATGAGGTGAAGTCCATTGCTAATCAGATTCAAGAGGACTG[GAA>G]AAGTCTTCTAACAGACTGCTTTCCAAAGATTCTTGTAAATATTCTTCCTTATTTTGCCTA-3'

ClinVar aggregate classification (germline): Pathogenic (1 of 4 stars; one submission).

Conditions:
Familial cancer of breast. Also called: Hereditary breast cancer; hereditary breast carcinoma; BREAST CANCER, FAMILIAL. Identifiers: Orphanet 227535, MedGen C0346153, MONDO:0016419, OMIM 114480. Disease mechanism: loss of function.

Submission:

Myriad Genetics, Inc.
Classification: Pathogenic for Familial cancer of breast. Last evaluated: 2025-03-04. Review status: criteria provided, single submitter. Criteria: Myriad Autosomal Dominant, Autosomal Recessive and X-Linked Classification Criteria (2023). Collection method: clinical testing. Allele origin: unknown.
Comment: This variant is considered pathogenic. This variant creates a frameshift predicted to result in premature protein truncation.